The following is an entry in ClinVar:

NM_006121.4(KRT1):c.568C>A (p.Gln190Lys)

Gene: KRT1 (keratin 1; minus strand). Cytogenetic location: 12q13.13.
Variant type: single nucleotide variant.
Coding change: c.568C>A on transcript NM_006121.4 (MANE Select); coding-DNA position 568, C replaced by A.
Protein change: p.Gln190Lys; replaces glutamine 190 with lysine.
Molecular consequence: missense variant.
Genome position (GRCh38, 1-based): chr12:52,679,781, G>T on the plus strand (C>A on the coding strand, the complement: KRT1 is on the minus strand). VCF-style: chr12-52679781-G-T. GRCh37 (hg19) VCF-style: chr12-53073565-G-T.
Other names: short protein forms Q190K.
Identifiers: ClinVar variation 2285008 (VCV002285008.3), dbSNP rs1382857336, ClinGen allele CA384974891.

ClinVar aggregate classification (germline): Uncertain significance. Review status: criteria provided, multiple submitters, no conflicts (2 of 4 stars). 2 submissions from 2 submitters: Uncertain significance (2). Last evaluated 2025-05-10.

Conditions:
Inborn genetic diseases. Identifiers: MedGen C0950123, MeSH D030342.
Palmoplantar keratoderma, epidermolytic, 2 (EPPK2). Also called: KERATOSIS OF GREITHER; GREITHER SYNDROME. Identifiers: MedGen C2936837, MONDO:0957303, OMIM 620411.

gnomAD v4.1: 5 of 1,614,136 alleles (0.00031%); highest among the groups gnomAD compares: Admixed American, 0.005%; no homozygotes.

Submissions (2):

Clinical Genomics Laboratory, Washington University in St. Louis
Classification: Uncertain significance for Palmoplantar keratoderma, epidermolytic, 2. Last evaluated: 2025-05-10. Review status: criteria provided, single submitter. Criteria: ACMG Guidelines, 2015. Collection method: clinical testing. Allele origin: germline.
Comment: A KRT1 c.568C>A (p.Gln190Lys) variant was identified at a near heterozygous allelic fraction of 49.7%, a frequency which may be consistent with it being of germline origin. This variant, to our knowledge, has not been reported in the medical literature. This variant is reported in the ClinVar database as a variant of uncertain significance in a germline state by one submitter (ClinVar Variation ID: 2285008). This variant is only observed on 5/1,614,136 alleles in the general population (gnomAD v.4.1.0), indicating it is not a common variant. Computational predictors indicate this variant does not impact KRT1 function. Due to limited information, and based on ACMG/AMP guidelines of variant interpretation (Richards S et al., PMID: 25741868), the clinical significance of the KRT1 c.568C>A (p.Gln190Lys) variant is uncertain at this time.

Ambry Genetics
Classification: Uncertain significance for Inborn genetic diseases. Last evaluated: 2022-04-22. Review status: criteria provided, single submitter. Criteria: Ambry Variant Classification Scheme 2023. Collection method: clinical testing. Allele origin: germline.